The following is an entry in ClinVar:

ClinVar aggregate classification (germline): Uncertain significance (1 of 4 stars; one submission).

Conditions:
Hereditary cancer-predisposing syndrome. Also called: Hereditary neoplastic syndrome; Neoplastic Syndromes, Hereditary; Tumor predisposition; Hereditary Cancer Syndrome. Identifiers: Orphanet 140162, MedGen C0027672, MeSH D009386, MONDO:0015356.

Submission:

Ambry Genetics
Classification: Uncertain significance for Hereditary cancer-predisposing syndrome. Last evaluated: 2025-08-27. Review status: criteria provided, single submitter. Criteria: Ambry Variant Classification Scheme 2023. Collection method: clinical testing. Allele origin: germline.
Comment: The p.A205G variant (also known as c.614C>G), located in coding exon 8 of the MUTYH gene, results from a C to G substitution at nucleotide position 614. The alanine at codon 205 is replaced by glycine, an amino acid with similar properties. This amino acid position is conserved. In addition, the in silico prediction for this alteration is inconclusive. Based on the available evidence, the clinical significance of this variant remains unclear.

NM_001048174.2(MUTYH):c.530C>G (p.Ala177Gly)

Gene: MUTYH (mutY DNA glycosylase; minus strand). Cytogenetic location: 1p34.1.
Variant type: single nucleotide variant.
Coding change: c.530C>G on transcript NM_001048174.2 (MANE Select); coding-DNA position 530, C replaced by G.
Protein change: p.Ala177Gly; replaces alanine 177 with glycine.
Molecular consequence: missense variant. On other transcripts: non-coding transcript variant (7).
Genome position (GRCh38, 1-based): chr1:45,332,650, G>C on the plus strand (C>G on the coding strand, the complement: MUTYH is on the minus strand). VCF-style: chr1-45332650-G-C. GRCh37 (hg19) VCF-style: chr1-45798322-G-C.
Other names: c.530C>G, p.Ala177Gly (NM_001048171.2, NM_001048173.2, NM_001407072.1 and 6 more transcripts); c.533C>G, p.Ala178Gly (NM_001048172.2, NM_001407071.1, NM_001407078.1 and 1 more transcripts); c.614C>G, p.Ala205Gly (NM_001128425.2); c.446C>G, p.Ala149Gly (NM_001407075.1); c.563C>G, p.Ala188Gly (NM_001407077.1, NM_001293191.2, NM_001407069.1); c.491C>G, p.Ala164Gly (NM_001407079.1); c.488C>G, p.Ala163Gly (NM_001407080.1); c.185C>G, p.Ala62Gly (NM_001407082.1, NM_001350650.2, NM_001350651.2); and 5 more; short protein forms A149G, A205G, A62G, A164G, A177G, A184G, A192G, A163G.
Identifiers: ClinVar variation 4113759 (VCV004113759.1).